The following is an entry in ClinVar:

ClinVar aggregate classification (germline): Pathogenic (1 of 4 stars; one submission).

Submission:

Labcorp Genetics (formerly Invitae), Labcorp
Classification: Pathogenic. Last evaluated: 2025-09-20. Review status: criteria provided, single submitter. Criteria: Invitae Variant Classification Sherloc (09022015). Collection method: clinical testing. Allele origin: germline.
Comment: This sequence change creates a premature translational stop signal (p.Ser1133Alafs*27) in the ALPK3 gene. It is expected to result in an absent or disrupted protein product. Loss-of-function variants in ALPK3 are known to be pathogenic (PMID: 21441111, 26846950, 27106955, 34263907). This variant is not present in population databases (gnomAD no frequency). This variant has not been reported in the literature in individuals affected with ALPK3-related conditions. For these reasons, this variant has been classified as Pathogenic.

Literature cited by the submitters: PubMed 21441111; PubMed 26846950; PubMed 27106955; PubMed 34263907.

NM_020778.5(ALPK3):c.2790del (p.Ser931fs)

Gene: ALPK3 (alpha kinase 3; plus strand). Cytogenetic location: 15q25.3.
Variant type: Deletion.
Coding change: c.2790del on transcript NM_020778.5 (MANE Select); coding-DNA position 2790, one base deleted (C; older notation c.2790delC).
Protein change: p.Ser931fs; shifts the reading frame from serine 931.
Molecular consequence: frameshift variant.
Genome position (GRCh38, 1-based): chr15:84,857,528, C deleted; the last of 2 consecutive C bases (chr15:84,857,527-84,857,528); deleting either gives the same sequence. VCF-style (leftmost placement, unchanged base first): chr15-84857526-AC-A. GRCh37 (hg19) VCF-style: chr15-85400757-AC-A.
Other names: short protein forms S931fs.
Identifiers: ClinVar variation 4727465 (VCV004727465.1).